The following is an entry in ClinVar:

NM_001256012.3(MYH10):c.1183C>A (p.Leu395Ile)

Gene: MYH10 (myosin heavy chain 10; minus strand). Cytogenetic location: 17p13.1.
Variant type: single nucleotide variant.
Coding change: c.1183C>A on transcript NM_001256012.3 (MANE Select); coding-DNA position 1183, C replaced by A.
Protein change: p.Leu395Ile; replaces leucine 395 with isoleucine.
Molecular consequence: missense variant.
Genome position (GRCh38, 1-based): chr17:8,546,639, G>T on the plus strand (C>A on the coding strand, the complement: MYH10 is on the minus strand). VCF-style: chr17-8546639-G-T. GRCh37 (hg19) VCF-style: chr17-8449957-G-T.
Other names: c.1180C>A, p.Leu394Ile (NM_001256095.2); c.1183C>A, p.Leu395Ile (NM_001375266.1); c.1153C>A, p.Leu385Ile (NM_005964.5); short protein forms L385I, L394I, L395I.
Identifiers: ClinVar variation 3253330 (VCV003253330.1), dbSNP rs2082452725.

ClinVar aggregate classification (germline): Likely pathogenic (1 of 4 stars; one submission).

Submission:

GeneDx
Classification: Likely pathogenic. Last evaluated: 2022-09-21. Review status: criteria provided, single submitter. Criteria: GeneDx Variant Classification Process June 2021. Collection method: clinical testing. Allele origin: germline. Affected: yes.
Comment: Not observed at significant frequency in large population cohorts (gnomAD); In silico analysis, which includes protein predictors and evolutionary conservation, supports that this variant does not alter protein structure/function; This variant is associated with the following publications: (PMID: 35980381)